The following is an entry in ClinVar:

NM_020911.2(PLXNA4):c.2601A>G (p.Thr867=)

Gene: PLXNA4 (plexin A4; minus strand). Cytogenetic location: 7q32.3.
Variant type: single nucleotide variant.
Coding change: c.2601A>G on transcript NM_020911.2 (MANE Select); coding-DNA position 2601, A replaced by G.
Protein change: p.Thr867=; no amino-acid change (threonine 867 retained).
Molecular consequence: synonymous variant.
Genome position (GRCh38, 1-based): chr7:132,198,622, T>C on the plus strand (A>G on the coding strand, the complement: PLXNA4 is on the minus strand). VCF-style: chr7-132198622-T-C. GRCh37 (hg19) VCF-style: chr7-131883381-T-C.
Other names: c.2601A>G, p.Thr867= (NM_001393897.1).
Identifiers: ClinVar variation 3057660 (VCV003057660.2), dbSNP rs376987848, ClinGen allele CA4489752.

ClinVar aggregate classification (germline): Likely benign (0 of 4 stars; one submission).

Conditions:
PLXNA4-related disorder. Also called: PLXNA4-related condition.

Allele frequency attached by ClinVar (database versions not stated): gnomAD exomes 0.00002; ExAC 0.00006; ESP Exome Variant Server 0.00008; gnomAD 0.00008; TOPMed 0.00012; 1000 Genomes Project 30x 0.00031; 1000 Genomes Project 0.00040.
gnomAD v4.1: 37 of 1,614,142 alleles (0.0023%); highest among the groups gnomAD compares: African/African-American, 0.045%; no homozygotes.

Submission:

PreventionGenetics, part of Exact Sciences
Classification: Likely benign for PLXNA4-related condition. Last evaluated: 2022-02-11. Review status: no assertion criteria provided. Collection method: clinical testing. Allele origin: germline.
Comment: This variant is classified as likely benign based on ACMG/AMP sequence variant interpretation guidelines (Richards et al. 2015 PMID: 25741868, with internal and published modifications).